The following is an entry in ClinVar:

NM_015046.7(SETX):c.3702G>C (p.Arg1234Ser)

Gene: SETX (senataxin; minus strand). Cytogenetic location: 9q34.13.
Variant type: single nucleotide variant.
Coding change: c.3702G>C on transcript NM_015046.7 (MANE Select); coding-DNA position 3702, G replaced by C.
Protein change: p.Arg1234Ser; replaces arginine 1234 with serine.
Molecular consequence: missense variant.
Genome position (GRCh38, 1-based): chr9:132,327,896, C>G on the plus strand (G>C on the coding strand, the complement: SETX is on the minus strand). VCF-style: chr9-132327896-C-G. GRCh37 (hg19) VCF-style: chr9-135203283-C-G.
Other names: c.3702G>C, p.Arg1234Ser (NM_001351527.2, NM_001351528.2); short protein forms R1234S.
Identifiers: ClinVar variation 5009122 (VCV005009122.1).

ClinVar aggregate classification (germline): Uncertain significance (1 of 4 stars; one submission).

Submission:

GeneDx
Classification: Uncertain significance. Last evaluated: 2026-03-16. Review status: criteria provided, single submitter. Criteria: GeneDx Variant Classification Process June 2021. Collection method: clinical testing. Allele origin: germline.
Comment: Not observed at significant frequency in large population cohorts (gnomAD); In silico analysis suggests that this missense variant does not alter protein structure/function; Has not been previously published as pathogenic or benign to our knowledge